The following is an entry in ClinVar:

ClinVar aggregate classification (germline): Uncertain significance (1 of 4 stars; one submission).

gnomAD v4.1: 2 of 1,607,254 alleles (0.00012%); highest among the groups gnomAD compares: Non-Finnish European, 0.00017%; no homozygotes.

Submission:

GeneDx
Classification: Uncertain significance. Last evaluated: 2025-02-21. Review status: criteria provided, single submitter. Criteria: GeneDx Variant Classification Process June 2021. Collection method: clinical testing. Allele origin: germline. Affected: yes.
Comment: Not observed at significant frequency in large population cohorts (gnomAD); In silico analysis indicates that this missense variant does not alter protein structure/function; Has not been previously published as pathogenic or benign to our knowledge

NM_000170.3(GLDC):c.1430A>T (p.Asn477Ile)

Gene: GLDC (glycine decarboxylase; minus strand). Cytogenetic location: 9p24.1.
Variant type: single nucleotide variant.
Coding change: c.1430A>T on transcript NM_000170.3 (MANE Select); coding-DNA position 1430, A replaced by T.
Protein change: p.Asn477Ile; replaces asparagine 477 with isoleucine.
Molecular consequence: missense variant.
Genome position (GRCh38, 1-based): chr9:6,592,195, T>A on the plus strand (A>T on the coding strand, the complement: GLDC is on the minus strand). VCF-style: chr9-6592195-T-A. GRCh37 (hg19) VCF-style: chr9-6592195-T-A.
Other names: short protein forms N477I.
Identifiers: ClinVar variation 4076741 (VCV004076741.1).
Genomic context (GRCh38, chr9:6,592,195, plus strand): 5'-TTACTTACTGCAGATGACTCACAACCAAAGATCCACAACAAATCGTCCAGATCTTTTTCA[T>A]TGACTGTTTCATCAAGAGAAATACCAAGCTACAGAAACACAAACAAAATGGAAAACATCA-3'
Protein context (NP_000161.2, residues 467-487): TLGISLDETV[Asn477Ile]EKDLDDLLWI